The following is an entry in ClinVar:

ClinVar aggregate classification (germline): Uncertain significance (1 of 4 stars; one submission).

Conditions:
Arrhythmogenic right ventricular dysplasia 11. Also called: Arrhythmogenic Right Ventricular Dysplasia/Cardiomyopathy11; ARRHYTHMOGENIC RIGHT VENTRICULAR DYSPLASIA, FAMILIAL, 11; Arrhythmogenic right ventricular dysplasia 11 with mild palmoplantar keratoderma and woolly hair. Identifiers: MedGen C1864850, MONDO:0012506, OMIM 610476.

Submission:

Labcorp Genetics (formerly Invitae), Labcorp
Classification: Uncertain significance for Arrhythmogenic right ventricular dysplasia 11. Last evaluated: 2022-03-18. Review status: criteria provided, single submitter. Criteria: Invitae Variant Classification Sherloc (09022015). Collection method: clinical testing. Allele origin: germline.
Comment: This variant is not present in population databases (gnomAD no frequency). In summary, the available evidence is currently insufficient to determine the role of this variant in disease. Therefore, it has been classified as a Variant of Uncertain Significance. Algorithms developed to predict the effect of missense changes on protein structure and function (SIFT, PolyPhen-2, Align-GVGD) all suggest that this variant is likely to be disruptive. ClinVar contains an entry for this variant (Variation ID: 938504). This variant has not been reported in the literature in individuals affected with DSC2-related conditions. This sequence change replaces methionine, which is neutral and non-polar, with lysine, which is basic and polar, at codon 328 of the DSC2 protein (p.Met328Lys).

NM_024422.6(DSC2):c.983T>A (p.Met328Lys)

Gene: DSC2 (desmocollin 2; minus strand). Cytogenetic location: 18q12.1.
Variant type: single nucleotide variant.
Coding change: c.983T>A on transcript NM_024422.6 (MANE Select); coding-DNA position 983, T replaced by A.
Protein change: p.Met328Lys; replaces methionine 328 with lysine.
Molecular consequence: missense variant.
Genome position (GRCh38, 1-based): chr18:31,083,020, A>T on the plus strand (T>A on the coding strand, the complement: DSC2 is on the minus strand). VCF-style: chr18-31083020-A-T. GRCh37 (hg19) VCF-style: chr18-28662986-A-T.
Other names: c.983T>A, p.Met328Lys (NM_004949.5); short protein forms M328K.
Identifiers: ClinVar variation 938504 (VCV000938504.9), dbSNP rs1987280810, ClinGen allele CA402110848.